The following is an entry in ClinVar:

ClinVar aggregate classification (germline): Uncertain significance (1 of 4 stars; one submission).

Conditions:
Arrhythmogenic right ventricular dysplasia 8 (ARVD8). Also called: Arrhythmogenic Right Ventricular Dysplasia/Cardiomyopathy 8; ARRHYTHMOGENIC RIGHT VENTRICULAR DYSPLASIA, FAMILIAL, 8; ARRHYTHMOGENIC RIGHT VENTRICULAR CARDIOMYOPATHY 8. Identifiers: MedGen C1843896, MONDO:0011831, OMIM 607450.
Arrhythmogenic cardiomyopathy with wooly hair and keratoderma. Also called: Arrhythmogenic cardiomyopathy with woolly hair and keratoderma; PALMOPLANTAR KERATODERMA WITH LEFT VENTRICULAR CARDIOMYOPATHY AND WOOLLY HAIR; Carvajal syndrome; Dilated cardiomyopathy with woolly hair and keratoderma. Identifiers: Orphanet 65282, MedGen C1854063, MONDO:0011581, OMIM 605676.

Submission:

Labcorp Genetics (formerly Invitae), Labcorp
Classification: Uncertain significance for Arrhythmogenic cardiomyopathy with wooly hair and keratoderma; Arrhythmogenic right ventricular dysplasia 8. Last evaluated: 2025-02-19. Review status: criteria provided, single submitter. Criteria: Invitae Variant Classification Sherloc (09022015). Collection method: clinical testing. Allele origin: germline.
Comment: This sequence change replaces glycine, which is neutral and non-polar, with aspartic acid, which is acidic and polar, at codon 208 of the DSP protein (p.Gly208Asp). This variant is not present in population databases (gnomAD no frequency). This variant has not been reported in the literature in individuals affected with DSP-related conditions. An algorithm developed to predict the effect of missense changes on protein structure and function (PolyPhen-2) suggests that this variant is likely to be disruptive. In summary, the available evidence is currently insufficient to determine the role of this variant in disease. Therefore, it has been classified as a Variant of Uncertain Significance.

NM_004415.4(DSP):c.623G>A (p.Gly208Asp)

Gene: DSP (desmoplakin; plus strand). Cytogenetic location: 6p24.3.
Variant type: single nucleotide variant.
Coding change: c.623G>A on transcript NM_004415.4 (MANE Select); coding-DNA position 623, G replaced by A.
Protein change: p.Gly208Asp; replaces glycine 208 with aspartic acid.
Molecular consequence: missense variant.
Genome position (GRCh38, 1-based): chr6:7,562,677, G>A. VCF-style: chr6-7562677-G-A. GRCh37 (hg19) VCF-style: chr6-7562910-G-A.
Other names: c.623G>A, p.Gly208Asp (NM_001008844.3, NM_001319034.2, NM_001406591.1); short protein forms G208D.
Identifiers: ClinVar variation 4787963 (VCV004787963.1).
Genomic context (GRCh38, chr6:7,562,677, plus strand): 5'-AACAAAGGGCGCCTCTCTTTGTCTTTGTGTCGCAGGCGGAGATGGACATGGTGGCCTGGG[G>A]TGTGGACCTGGCCTCAGTGGAGCAGCACATTAACAGCCACCGGGGCATCCACAACTCCAT-3'
Protein context (NP_004406.2, residues 198-218): QRAEMDMVAW[Gly208Asp]VDLASVEQHI